The following is an entry in ClinVar:

NM_003072.5(SMARCA4):c.1907C>G (p.Ala636Gly)

Gene: SMARCA4 (SWI/SNF related BAF chromatin remodeling complex subunit ATPase 4; plus strand). Cytogenetic location: 19p13.2.
Variant type: single nucleotide variant.
Coding change: c.1907C>G on transcript NM_003072.5 (MANE Select); coding-DNA position 1907, C replaced by G.
Protein change: p.Ala636Gly; replaces alanine 636 with glycine.
Molecular consequence: missense variant. On other transcripts: non-coding transcript variant (1).
Genome position (GRCh38, 1-based): chr19:11,003,123, C>G. VCF-style: chr19-11003123-C-G. GRCh37 (hg19) VCF-style: chr19-11113799-C-G.
Other names: c.1907C>G, p.Ala636Gly (NM_001128844.3, NM_001128845.2, NM_001128846.2 and 4 more transcripts); short protein forms A636G.
Identifiers: ClinVar variation 841920 (VCV000841920.13), dbSNP rs201807686, ClinGen allele CA305256316.

ClinVar aggregate classification (germline): Conflicting classifications of pathogenicity. Review status: criteria provided, conflicting classifications (1 of 4 stars). 4 submissions from 4 submitters: Uncertain significance (3); Likely benign (1). Last evaluated 2026-07-07.

Conditions:
Hereditary cancer-predisposing syndrome. Also called: Hereditary Cancer Syndrome; Neoplastic Syndromes, Hereditary; Hereditary neoplastic syndrome; Tumor predisposition. Identifiers: Orphanet 140162, MedGen C0027672, MeSH D009386, MONDO:0015356.
Rhabdoid tumor predisposition syndrome 2 (RTPS2). Identifiers: Orphanet 231108, Orphanet 69077, MedGen C2750074, MONDO:0013224, OMIM 613325.

Allele frequency attached by ClinVar (database versions not stated): gnomAD exomes 0.00001 and 0.00002; TOPMed 0.00001.
gnomAD v4.1: 25 of 1,614,108 alleles (0.0015%); highest among the groups gnomAD compares: Non-Finnish European, 0.0021%; no homozygotes.

Submissions (4):

Myriad Genetics, Inc.
Classification: Likely benign for Rhabdoid tumor predisposition syndrome 2. Last evaluated: 2026-07-07. Review status: criteria provided, single submitter. Criteria: Myriad Autosomal Dominant, Autosomal Recessive and X-Linked Classification Criteria (2023). Collection method: clinical testing. Allele origin: unknown.
Comment: This variant is considered likely benign. This variant has been observed at a population frequency that is significantly greater than expected given the associated disease prevalence and penetrance.

Ambry Genetics
Classification: Uncertain significance for Hereditary cancer-predisposing syndrome. Last evaluated: 2025-11-25. Review status: criteria provided, single submitter. Criteria: Ambry Variant Classification Scheme 2023. Collection method: clinical testing. Allele origin: germline.
Comment: The p.A636G variant (also known as c.1907C>G), located in coding exon 11 of the SMARCA4 gene, results from a C to G substitution at nucleotide position 1907. The alanine at codon 636 is replaced by glycine, an amino acid with similar properties. This amino acid position is highly conserved in available vertebrate species. In addition, the in silico prediction for this alteration is inconclusive. This variant was detected as heterozygous in individual(s) with no reported features of Coffin-Siris syndrome (Ambry internal data). Based on the supporting evidence, the association of this alteration with rhabdoid tumor predisposition syndrome is unknown; however, the association of this alteration with Coffin-Siris syndrome is unlikely.

Labcorp Genetics (formerly Invitae), Labcorp
Classification: Uncertain significance for Rhabdoid tumor predisposition syndrome 2. Last evaluated: 2025-05-18. Review status: criteria provided, single submitter. Criteria: Invitae Variant Classification Sherloc (09022015). Collection method: clinical testing. Allele origin: germline.
Comment: This sequence change replaces alanine, which is neutral and non-polar, with glycine, which is neutral and non-polar, at codon 636 of the SMARCA4 protein (p.Ala636Gly). This variant is present in population databases (rs201807686, gnomAD 0.002%). This variant has not been reported in the literature in individuals affected with SMARCA4-related conditions. ClinVar contains an entry for this variant (Variation ID: 841920). Invitae Evidence Modeling of protein sequence and biophysical properties (such as structural, functional, and spatial information, amino acid conservation, physicochemical variation, residue mobility, and thermodynamic stability) indicates that this missense variant is expected to disrupt SMARCA4 protein function with a positive predictive value of 80%. In summary, the available evidence is currently insufficient to determine the role of this variant in disease. Therefore, it has been classified as a Variant of Uncertain Significance.

Baylor Genetics
Classification: Uncertain significance for Rhabdoid tumor predisposition syndrome 2. Last evaluated: 2024-01-04. Review status: criteria provided, single submitter. Criteria: ACMG Guidelines, 2015. Collection method: clinical testing. Allele origin: unknown.